The following is an entry in ClinVar:

ClinVar aggregate classification (germline): Uncertain significance. Review status: criteria provided, multiple submitters, no conflicts (2 of 4 stars). 2 submissions from 2 submitters: Uncertain significance (2). Last evaluated 2025-10-15.

Conditions:
Hereditary spastic paraplegia 28. Also called: Spastic paraplegia 28, autosomal recessive. Identifiers: Orphanet 101008, MedGen C1836295, MONDO:0012256, OMIM 609340.
Inborn genetic diseases. Identifiers: MedGen C0950123, MeSH D030342.

Allele frequency attached by ClinVar (database versions not stated): gnomAD exomes below 0.00001 and 0.00001; ExAC 0.00001; gnomAD 0.00001; TOPMed 0.00002.
gnomAD v4.1: 6 of 1,614,000 alleles (0.00037%); highest among the groups gnomAD compares: African/African-American, 0.0027%; no homozygotes.

Submissions (2):

Ambry Genetics
Classification: Uncertain significance for Inborn genetic diseases. Last evaluated: 2025-10-15. Review status: criteria provided, single submitter. Criteria: Ambry Variant Classification Scheme 2023. Collection method: clinical testing. Allele origin: germline.

Labcorp Genetics (formerly Invitae), Labcorp
Classification: Uncertain significance for Hereditary spastic paraplegia 28. Last evaluated: 2019-03-13. Review status: criteria provided, single submitter. Criteria: Invitae Variant Classification Sherloc (09022015). Collection method: clinical testing. Allele origin: germline.
Comment: This variant has not been reported in the literature in individuals with DDHD1-related conditions. This variant is present in population databases (rs770043699, ExAC 0.01%). This sequence change replaces isoleucine with valine at codon 540 of the DDHD1 protein (p.Ile540Val). The isoleucine residue is highly conserved and there is a small physicochemical difference between isoleucine and valine. Algorithms developed to predict the effect of missense changes on protein structure and function are either unavailable or do not agree on the potential impact of this missense change (SIFT: "Tolerated"; PolyPhen-2: "Probably Damaging"; Align-GVGD: "Class C0"). In summary, the available evidence is currently insufficient to determine the role of this variant in disease. Therefore, it has been classified as a Variant of Uncertain Significance.

NM_001160148.2(DDHD1):c.1597A>G (p.Ile533Val)

Gene: DDHD1 (DDHD domain containing 1; minus strand). Cytogenetic location: 14q22.1.
Variant type: single nucleotide variant.
Coding change: c.1597A>G on transcript NM_001160148.2 (MANE Select); coding-DNA position 1597, A replaced by G.
Protein change: p.Ile533Val; replaces isoleucine 533 with valine.
Molecular consequence: missense variant.
Genome position (GRCh38, 1-based): chr14:53,063,112, T>C on the plus strand (A>G on the coding strand, the complement: DDHD1 is on the minus strand). VCF-style: chr14-53063112-T-C. GRCh37 (hg19) VCF-style: chr14-53529830-T-C.
Other names: c.1618A>G, p.Ile540Val (NM_001160147.2); c.1597A>G, p.Ile533Val (NM_030637.3); c.1597A>G (NM_001160148.1); short protein forms I533V, I540V.
Identifiers: ClinVar variation 852401 (VCV000852401.10), dbSNP rs770043699, ClinGen allele CA7191196.